The following is an entry in ClinVar:

NM_018076.5(ODAD2):c.2660T>C (p.Val887Ala)

Gene: ODAD2 (outer dynein arm docking complex subunit 2; minus strand). Cytogenetic location: 10p12.1.
Variant type: single nucleotide variant.
Coding change: c.2660T>C on transcript NM_018076.5 (MANE Select); coding-DNA position 2660, T replaced by C.
Protein change: p.Val887Ala; replaces valine 887 with alanine.
Molecular consequence: missense variant.
Genome position (GRCh38, 1-based): chr10:27,862,573, A>G on the plus strand (T>C on the coding strand, the complement: ODAD2 is on the minus strand). VCF-style: chr10-27862573-A-G. GRCh37 (hg19) VCF-style: chr10-28151502-A-G.
Other names: c.2660T>C, p.Val887Ala (NM_001290020.2); c.1235T>C, p.Val412Ala (NM_001290021.2); c.1736T>C, p.Val579Ala (NM_001312689.2); short protein forms V412A, V579A, V887A.
Identifiers: ClinVar variation 1681345 (VCV001681345.8), dbSNP rs778348315, ClinGen allele CA5453130.

ClinVar aggregate classification (germline): Uncertain significance (1 of 4 stars; one submission).

Conditions:
Primary ciliary dyskinesia 23 (CILD23). Also called: CILIARY DYSKINESIA, PRIMARY, 23, WITH OR WITHOUT SITUS INVERSUS. Identifiers: Orphanet 244, MedGen C3809548, MONDO:0014193, OMIM 615451.

Allele frequency attached by ClinVar (database versions not stated): gnomAD exomes below 0.00001; ExAC 0.00001.
gnomAD v4.1: 3 of 1,612,030 alleles (0.00019%); highest among the groups gnomAD compares: Non-Finnish European, 0.00025%; no homozygotes.

Submission:

Labcorp Genetics (formerly Invitae), Labcorp
Classification: Uncertain significance for Primary ciliary dyskinesia 23. Last evaluated: 2021-06-24. Review status: criteria provided, single submitter. Criteria: Invitae Variant Classification Sherloc (09022015). Collection method: clinical testing. Allele origin: germline.
Comment: This variant has not been reported in the literature in individuals with ARMC4-related conditions. In summary, the available evidence is currently insufficient to determine the role of this variant in disease. Therefore, it has been classified as a Variant of Uncertain Significance. Algorithms developed to predict the effect of missense changes on protein structure and function are either unavailable or do not agree on the potential impact of this missense change (SIFT: "Deleterious"; PolyPhen-2: "Possibly Damaging"; Align-GVGD: "Class C0"). This variant is present in population databases (rs778348315, ExAC 0.002%). This sequence change replaces valine with alanine at codon 887 of the ARMC4 protein (p.Val887Ala). The valine residue is highly conserved and there is a small physicochemical difference between valine and alanine.